The following is an entry in ClinVar:

ClinVar aggregate classification (germline): Uncertain significance (1 of 4 stars; one submission).

Conditions:
Hereditary cancer-predisposing syndrome. Also called: Tumor predisposition; Hereditary neoplastic syndrome; Hereditary Cancer Syndrome; Neoplastic Syndromes, Hereditary. Identifiers: Orphanet 140162, MedGen C0027672, MeSH D009386, MONDO:0015356.

Submission:

Ambry Genetics
Classification: Uncertain significance for Hereditary cancer-predisposing syndrome. Last evaluated: 2023-12-02. Review status: criteria provided, single submitter. Criteria: Ambry Variant Classification Scheme 2023. Collection method: clinical testing. Allele origin: germline.
Comment: The p.F216L variant (also known as c.648T>G), located in coding exon 6 of the EPCAM gene, results from a T to G substitution at nucleotide position 648. The phenylalanine at codon 216 is replaced by leucine, an amino acid with highly similar properties. This amino acid position is conserved. In addition, this alteration is predicted to be tolerated by in silico analysis. Since supporting evidence is limited at this time, the clinical significance of this alteration remains unclear.

NM_002354.3(EPCAM):c.648T>G (p.Phe216Leu)

Gene: EPCAM (epithelial cell adhesion molecule; plus strand). Cytogenetic location: 2p21.
Variant type: single nucleotide variant.
Coding change: c.648T>G on transcript NM_002354.3 (MANE Select); coding-DNA position 648, T replaced by G.
Protein change: p.Phe216Leu; replaces phenylalanine 216 with leucine.
Molecular consequence: missense variant.
Genome position (GRCh38, 1-based): chr2:47,379,045, T>G. VCF-style: chr2-47379045-T-G. GRCh37 (hg19) VCF-style: chr2-47606184-T-G.
Other names: short protein forms F216L.
Identifiers: ClinVar variation 3222127 (VCV003222127.1), dbSNP rs2103757299, ClinGen allele CA346724284.